The following is an entry in ClinVar:

ClinVar aggregate classification (germline): Pathogenic. Review status: reviewed by expert panel (3 of 4 stars). 2 submissions from 2 submitters: Pathogenic (1). 1 of the submissions does not count toward it. Last evaluated 2023-12-09.

Conditions:
Hereditary thrombocytopenia and hematological cancer predisposition syndrome associated with RUNX1. Also called: RUNX1 Familial Platelet Disorder with Associated Myeloid Malignancies; Familial Platelet Disorder with Propensity to Acute Myelogenous Leukemia; Familial thrombocytopenia with propensity to acute myelogenous leukemia; PLATELET DISORDER, ASPIRIN-LIKE. Identifiers: Orphanet 71290, MedGen C1832388, MeSH C563324, MONDO:0100083, OMIM 601399.

Submissions (2):

ClinGen Myeloid Malignancy Variant Curation Expert Panel
Classification: Pathogenic for Hereditary thrombocytopenia and hematological cancer predisposition syndrome associated with RUNX1. Last evaluated: 2023-12-09. Review status: reviewed by expert panel. Criteria: ClinGen MyeloMalig ACMG Specifications v2. Collection method: curation. Allele origin: germline. Inheritance: Autosomal dominant inheritance.
Comment: PVS1: frameshift variant (-1) between c.98-758. PM2_supporting: This variant is completely absent from all population databases with at least 20x coverage for RUNX1. PS4_Supporting: This variant has been reported in one proband meeting at least one of the RUNX1-phenotypic criteria (PS4_ Supporting; PMID: 34166225). This variant is a nonsense/frameshift variants that is downstream of c.98 (PM5_Supporting). In summary, this variant meets criteria to be classified as pathogenic. ACMG/AMP criteria applied, as specified by the Myeloid Malignancy Variant Curation Expert Panel for RUNX1: PVS1, PM2_supporting, PS4_supporting, PM5_supporting.

Labcorp Genetics (formerly Invitae), Labcorp
Classification: Pathogenic for Hereditary thrombocytopenia and hematological cancer predisposition syndrome associated with RUNX1. Last evaluated: 2021-11-11. Review status: criteria provided, single submitter. Criteria: Invitae Variant Classification Sherloc (09022015). Collection method: clinical testing. Allele origin: germline. Not counted in ClinVar's aggregate classification.
Comment: For these reasons, this variant has been classified as Pathogenic. This variant has not been reported in the literature in individuals affected with RUNX1-related conditions. This variant is not present in population databases (gnomAD no frequency). This sequence change creates a premature translational stop signal (p.Gln213Argfs*24) in the RUNX1 gene. It is expected to result in an absent or disrupted protein product. Loss-of-function variants in RUNX1 are known to be pathogenic (PMID: 18723428, 24100448).

Literature cited by the submitters: PubMed 18723428 (cited by Labcorp Genetics (formerly Invitae), Labcorp); PubMed 24100448 (cited by Labcorp Genetics (formerly Invitae), Labcorp).

NM_001754.5(RUNX1):c.637del (p.Gln213fs)

Gene: RUNX1 (RUNX family transcription factor 1; minus strand). Cytogenetic location: 21q22.12.
Variant type: Deletion.
Coding change: c.637del on transcript NM_001754.5 (MANE Select); coding-DNA position 637, one base deleted (C; older notation c.637delC).
Protein change: p.Gln213fs; shifts the reading frame from glutamine 213.
Molecular consequence: frameshift variant.
Genome position (GRCh38, 1-based): chr21:34,834,578, G deleted on the plus strand (C on the coding strand, the reverse complement: RUNX1 is on the minus strand). VCF-style (leftmost placement, unchanged base first): chr21-34834577-TG-T. GRCh37 (hg19) VCF-style: chr21-36206874-TG-T.
Other names: NM_001754.5(RUNX1):c.637del; p.Gln213fs; c.556del, p.Gln186fs (NM_001001890.3, NM_001122607.2); short protein forms Q213fs, Q186fs.
Identifiers: ClinVar variation 1460018 (VCV001460018.6), dbSNP rs2146076947, ClinGen allele CA1139771066.
Genomic context (GRCh38, chr21:34,834,577, plus strand): 5'-CGCCGCAGCTGCTCCAGTTCACTGAGCCGCTCGGAAAAGGACAAGCTCCCGGGCTTGGTC[TG>T]ATCATCTAGTTTCTGCCGATGTCCTATTGTGGGGAGCAGGGAGGGGAGGGGATGGGGGGA-3'